The following is an entry in ClinVar:

ClinVar aggregate classification (germline): Likely benign (1 of 4 stars; one submission).

gnomAD v4.1: 2 of 1,614,040 alleles (0.00012%); highest among the groups gnomAD compares: South Asian, 0.0011%; no homozygotes.

Submission:

CeGaT Center for Human Genetics Tuebingen
Classification: Likely benign. Last evaluated: 2025-10-01. Review status: criteria provided, single submitter. Criteria: CeGaT Center For Human Genetics Tuebingen Variant Classification Criteria Version 2. Collection method: clinical testing. Allele origin: germline. Affected: yes. Observed: 1 variant allele.
Comment: TRIP12: BP4, BP7

NM_001348323.3(TRIP12):c.1551T>C (p.Asn517=)

Gene: TRIP12 (thyroid hormone receptor interactor 12; minus strand). Cytogenetic location: 2q36.3.
Variant type: single nucleotide variant.
Coding change: c.1551T>C on transcript NM_001348323.3 (MANE Select); coding-DNA position 1551, T replaced by C.
Protein change: p.Asn517=; no amino-acid change (asparagine 517 retained).
Molecular consequence: synonymous variant.
Genome position (GRCh38, 1-based): chr2:229,818,412, A>G on the plus strand (T>C on the coding strand, the complement: TRIP12 is on the minus strand). VCF-style: chr2-229818412-A-G. GRCh37 (hg19) VCF-style: chr2-230683128-A-G.
Other names: c.1551T>C, p.Asn517= (NM_001284214.2, NM_001348315.2, NM_001348319.1 and 11 more transcripts); c.1425T>C, p.Asn475= (NM_001284215.2, NM_001348316.2, NM_001348317.1 and 2 more transcripts); c.516T>C, p.Asn172= (NM_001284216.2); c.1464T>C, p.Asn488= (NM_001348332.1); c.1407T>C, p.Asn469= (NM_004238.3).
Identifiers: ClinVar variation 4534043 (VCV004534043.6).